The following is an entry in ClinVar:

ClinVar aggregate classification (germline): Uncertain significance (1 of 4 stars; one submission).

Conditions:
Hyperphosphatasia with intellectual disability syndrome 5 (GPIBD11). Also called: GLYCOSYLPHOSPHATIDYLINOSITOL BIOSYNTHESIS DEFECT 11. Identifiers: Orphanet 247262, MedGen C4014958, MONDO:0014457, OMIM 616025.

Allele frequency attached by ClinVar (database versions not stated): TOPMed 0.00003; gnomAD exomes below 0.00001; gnomAD 0.00002.
gnomAD v4.1: 4 of 1,613,760 alleles (0.00025%); highest among the groups gnomAD compares: Non-Finnish European, 0.00034%; no homozygotes.

Submission:

Labcorp Genetics (formerly Invitae), Labcorp
Classification: Uncertain significance for Hyperphosphatasia with intellectual disability syndrome 5. Last evaluated: 2021-12-25. Review status: criteria provided, single submitter. Criteria: Invitae Variant Classification Sherloc (09022015). Collection method: clinical testing. Allele origin: germline.
Comment: This sequence change replaces leucine, which is neutral and non-polar, with serine, which is neutral and polar, at codon 474 of the PIGW protein (p.Leu474Ser). This variant is present in population databases (no rsID available, gnomAD 0.002%). This variant has not been reported in the literature in individuals affected with PIGW-related conditions. Algorithms developed to predict the effect of missense changes on protein structure and function output the following: SIFT: "Deleterious"; PolyPhen-2: "Benign"; Align-GVGD: "Class C15". The serine amino acid residue is found in multiple mammalian species, which suggests that this missense change does not adversely affect protein function. In summary, the available evidence is currently insufficient to determine the role of this variant in disease. Therefore, it has been classified as a Variant of Uncertain Significance.

NM_001346754.2(PIGW):c.1421T>C (p.Leu474Ser)

Genes: MYO19 (myosin XIX; minus strand), PIGW (phosphatidylinositol glycan anchor biosynthesis class W; plus strand). Cytogenetic location: 17q12.
Variant type: single nucleotide variant.
Coding change: c.1421T>C on transcript NM_001346754.2 (MANE Select); coding-DNA position 1421, T replaced by C.
Protein change: p.Leu474Ser; replaces leucine 474 with serine.
Molecular consequence: missense variant.
Genome position (GRCh38, 1-based): chr17:36,538,522, T>C. VCF-style: chr17-36538522-T-C. GRCh37 (hg19) VCF-style: chr17-34894371-T-C.
Other names: c.1421T>C, p.Leu474Ser (NM_001346755.2, NM_178517.5); short protein forms L474S.
Identifiers: ClinVar variation 2054484 (VCV002054484.4), dbSNP rs886520278, ClinGen allele CA290116852.